The following is an entry in ClinVar:

NM_198253.3(TERT):c.2071C>A (p.Arg691Ser)

Gene: TERT (telomerase reverse transcriptase; minus strand). Cytogenetic location: 5p15.33.
Variant type: single nucleotide variant.
Coding change: c.2071C>A on transcript NM_198253.3 (MANE Select); coding-DNA position 2071, C replaced by A.
Protein change: p.Arg691Ser; replaces arginine 691 with serine.
Molecular consequence: missense variant. On other transcripts: non-coding transcript variant (2).
Genome position (GRCh38, 1-based): chr5:1,279,350, G>T on the plus strand (C>A on the coding strand, the complement: TERT is on the minus strand). VCF-style: chr5-1279350-G-T. GRCh37 (hg19) VCF-style: chr5-1279465-G-T.
Other names: c.2071C>A, p.Arg691Ser (NM_001193376.3); short protein forms R691S.
Identifiers: ClinVar variation 950507 (VCV000950507.12), dbSNP rs866767063, ClinGen allele CA112949480.

ClinVar aggregate classification (germline): Uncertain significance. Review status: criteria provided, multiple submitters, no conflicts (2 of 4 stars). 3 submissions from 3 submitters: Uncertain significance (3). Last evaluated 2025-11-26.

Conditions:
TERT-related disorder. Also called: TERT-related disorders; TERT-related condition.
Dyskeratosis congenita. Identifiers: Orphanet 1775, MedGen C0265965, MONDO:0015780.
Dyskeratosis congenita, autosomal dominant 2. Identifiers: MedGen C3151443, MONDO:0013521, OMIM 613989.
Idiopathic Pulmonary Fibrosis. Also called: Idiopathic fibrosing alveolitis, chronic form; idiopathic fibrosing alveolitis. Identifiers: Orphanet 2032, MedGen C1800706, MeSH D054990, MONDO:0800504.

Submissions (3):

Ambry Genetics
Classification: Uncertain significance for Dyskeratosis congenita. Last evaluated: 2025-11-26. Review status: criteria provided, single submitter. Criteria: Ambry Variant Classification Scheme 2023. Collection method: clinical testing. Allele origin: germline.
Comment: The p.R691S variant (also known as c.2071C>A), located in coding exon 5 of the TERT gene, results from a C to A substitution at nucleotide position 2071. The arginine at codon 691 is replaced by serine, an amino acid with dissimilar properties. This amino acid position is conserved. In addition, the in silico prediction for this alteration is inconclusive. Since supporting evidence is limited at this time, the clinical significance of this alteration remains unclear.

Labcorp Genetics (formerly Invitae), Labcorp
Classification: Uncertain significance for Dyskeratosis congenita, autosomal dominant 2; Idiopathic Pulmonary Fibrosis. Last evaluated: 2024-04-22. Review status: criteria provided, single submitter. Criteria: Invitae Variant Classification Sherloc (09022015). Collection method: clinical testing. Allele origin: germline.
Comment: This sequence change replaces arginine, which is basic and polar, with serine, which is neutral and polar, at codon 691 of the TERT protein (p.Arg691Ser). This variant is not present in population databases (gnomAD no frequency). This variant has not been reported in the literature in individuals affected with TERT-related conditions. ClinVar contains an entry for this variant (Variation ID: 950507). Advanced modeling of protein sequence and biophysical properties (such as structural, functional, and spatial information, amino acid conservation, physicochemical variation, residue mobility, and thermodynamic stability) performed at Invitae indicates that this missense variant is expected to disrupt TERT protein function with a positive predictive value of 95%. In summary, the available evidence is currently insufficient to determine the role of this variant in disease. Therefore, it has been classified as a Variant of Uncertain Significance.

PreventionGenetics, part of Exact Sciences
Classification: Uncertain significance for TERT-related condition. Last evaluated: 2023-07-28. Review status: criteria provided, single submitter. Criteria: ACMG Guidelines, 2015. Collection method: clinical testing. Allele origin: germline.
Comment: The TERT c.2071C>A variant is predicted to result in the amino acid substitution p.Arg691Ser. To our knowledge, this variant has not been reported in the literature or in a large population database, indicating this variant is rare. It is interpreted as uncertain significance in ClinVar. At this time, the clinical significance of this variant is uncertain due to the absence of conclusive functional and genetic evidence.